The following is an entry in ClinVar:

ClinVar aggregate classification (germline): Uncertain significance (1 of 4 stars; one submission).

Conditions:
Fanconi anemia (FA). Also called: Fanconi's anemia. Identifiers: Orphanet 84, MedGen C0015625, MeSH D005199, MONDO:0019391.

Submission:

Labcorp Genetics (formerly Invitae), Labcorp
Classification: Uncertain significance for Fanconi anemia. Last evaluated: 2024-08-13. Review status: criteria provided, single submitter. Criteria: Invitae Variant Classification Sherloc (09022015). Collection method: clinical testing. Allele origin: germline.
Comment: This sequence change replaces phenylalanine, which is neutral and non-polar, with leucine, which is neutral and non-polar, at codon 1137 of the FANCM protein (p.Phe1137Leu). This variant is not present in population databases (gnomAD no frequency). This variant has not been reported in the literature in individuals affected with FANCM-related conditions. An algorithm developed to predict the effect of missense changes on protein structure and function (PolyPhen-2) suggests that this variant is likely to be disruptive. In summary, the available evidence is currently insufficient to determine the role of this variant in disease. Therefore, it has been classified as a Variant of Uncertain Significance.

NM_020937.4(FANCM):c.3409T>C (p.Phe1137Leu)

Gene: FANCM (FA complementation group M; plus strand). Cytogenetic location: 14q21.2.
Variant type: single nucleotide variant.
Coding change: c.3409T>C on transcript NM_020937.4 (MANE Select); coding-DNA position 3409, T replaced by C.
Protein change: p.Phe1137Leu; replaces phenylalanine 1137 with leucine.
Molecular consequence: missense variant.
Genome position (GRCh38, 1-based): chr14:45,176,163, T>C. VCF-style: chr14-45176163-T-C. GRCh37 (hg19) VCF-style: chr14-45645366-T-C.
Other names: c.3331T>C, p.Phe1111Leu (NM_001308133.2); short protein forms F1111L, F1137L.
Identifiers: ClinVar variation 3662314 (VCV003662314.2).